The following is an entry in ClinVar:

NM_000238.4(KCNH2):c.2385C>T (p.Val795=)

Gene: KCNH2 (potassium voltage-gated channel subfamily H member 2; minus strand). Cytogenetic location: 7q36.1.
Variant type: single nucleotide variant.
Coding change: c.2385C>T on transcript NM_000238.4 (MANE Select); coding-DNA position 2385, C replaced by T.
Protein change: p.Val795=; no amino-acid change (valine 795 retained).
Molecular consequence: synonymous variant. On other transcripts: non-coding transcript variant (2).
Genome position (GRCh38, 1-based): chr7:150,950,181, G>A on the plus strand (C>T on the coding strand, the complement: KCNH2 is on the minus strand). VCF-style: chr7-150950181-G-A. GRCh37 (hg19) VCF-style: chr7-150647269-G-A.
Other names: c.1365C>T, p.Val455= (NM_001204798.2, NM_172057.3); c.2097C>T, p.Val699= (NM_001406753.1, NM_001406756.1); c.2208C>T, p.Val736= (NM_001406755.1); c.2085C>T, p.Val695= (NM_001406757.1); c.2385C>T, p.Val795= (NM_172056.3).
Identifiers: ClinVar variation 922342 (VCV000922342.20), dbSNP rs1161547614, ClinGen allele CA458871123.
Genomic context (GRCh38, chr7:150,950,181, plus strand): 5'-GGCTGCAGAGGGCATTTCCAGTCCAGTGCCCGCCCCCCACCCCATACCCAGGATGGCCAC[G>A]ACGACGTCGCCCCGCAGGATCTCGATGGAGCCCCGGGAGATGAAGTACAGGGCGGTGAGC-3'
Protein context (NP_000229.1, residues 785-805): GSIEILRGDV[Val795=]VAILGKNDIF

ClinVar aggregate classification (germline): Likely benign. Review status: criteria provided, multiple submitters, no conflicts (2 of 4 stars). 4 submissions from 4 submitters: Likely benign (3). 1 of the submissions does not count toward it. Last evaluated 2025-08-29.

Conditions:
KCNH2-related disorder. Also called: KCNH2-related disorders; KCNH2-related condition.
Cardiac arrhythmia. Also called: Cardiac rhythm disease; Arrhythmia. Identifiers: MedGen C0003811, MONDO:0007263, HP:0011675.
Cardiovascular phenotype. Identifiers: MedGen CN230736.
Long QT syndrome (LQTS). Identifiers: MedGen C0023976, MeSH D008133, MONDO:0002442. Disease mechanism: loss of function. Inheritance: Various modes of inheritance.

Allele frequency attached by ClinVar (database versions not stated): TOPMed 0.00001; gnomAD exomes below 0.00001; gnomAD 0.00001.
gnomAD v4.1: 9 of 1,607,212 alleles (0.00056%); highest among the groups gnomAD compares: Middle Eastern, 0.017%; no homozygotes.

Submissions (4):

Labcorp Genetics (formerly Invitae), Labcorp
Classification: Likely benign for Long QT syndrome. Last evaluated: 2025-08-29. Review status: criteria provided, single submitter. Criteria: Invitae Variant Classification Sherloc (09022015). Collection method: clinical testing. Allele origin: germline.

Ambry Genetics
Classification: Likely benign for Cardiovascular phenotype. Last evaluated: 2025-08-10. Review status: criteria provided, single submitter. Criteria: Ambry Variant Classification Scheme 2023. Collection method: clinical testing. Allele origin: germline.

Color Diagnostics, LLC DBA Color Health
Classification: Likely benign for Arrhythmia. Last evaluated: 2019-03-09. Review status: criteria provided, single submitter. Criteria: ACMG Guidelines, 2015. Collection method: clinical testing. Allele origin: germline.

PreventionGenetics, part of Exact Sciences
Classification: Likely benign for KCNH2-related condition. Last evaluated: 2022-04-27. Review status: no assertion criteria provided. Collection method: clinical testing. Allele origin: germline. Not counted in ClinVar's aggregate classification.
Comment: This variant is classified as likely benign based on ACMG/AMP sequence variant interpretation guidelines (Richards et al. 2015 PMID: 25741868, with internal and published modifications).